The following is an entry in ClinVar:

NM_001164508.2(NEB):c.4765G>T (p.Gly1589Ter)

Gene: NEB (nebulin; minus strand). Cytogenetic location: 2q23.3.
Variant type: single nucleotide variant.
Coding change: c.4765G>T on transcript NM_001164508.2 (MANE Select); coding-DNA position 4765, G replaced by T.
Protein change: p.Gly1589Ter; replaces glycine 1589 with a stop codon.
Molecular consequence: nonsense.
Genome position (GRCh38, 1-based): chr2:151,666,356, C>A on the plus strand (G>T on the coding strand, the complement: NEB is on the minus strand). VCF-style: chr2-151666356-C-A. GRCh37 (hg19) VCF-style: chr2-152522870-C-A.
Other names: c.4765G>T, p.Gly1589Ter (NM_001164507.2, NM_001271208.2, NM_004543.5); short protein forms G1589*.
Identifiers: ClinVar variation 1724478 (VCV001724478.2), dbSNP rs2552258291, ClinGen allele CA348814056.

ClinVar aggregate classification (germline): Likely pathogenic (1 of 4 stars; one submission).

Conditions:
Nemaline myopathy 2 (NEM2). Also called: Nemaline myopathy 2, autosomal recessive. Identifiers: MedGen C1850569, MONDO:0009725, OMIM 256030.

Submission:

Myriad Genetics, Inc.
Classification: Likely pathogenic for Nemaline myopathy 2. Last evaluated: 2022-02-17. Review status: criteria provided, single submitter. Criteria: Myriad Women's Health Autosomal Recessive and X-Linked Classification Criteria (2021). Collection method: clinical testing. Allele origin: unknown.
Comment: NM_001271208.1(NEB):c.4765G>T(G1589*) is expected to be pathogenic in the context of NEB-related nemaline myopathy. This variant is predicted to lead to an abnormal or absent protein product due to the creation of a premature termination codon in NEB, a gene where loss-of-function variants are known to be pathogenic. Please note: this variant was assessed in the context of healthy population screening.